The following is an entry in ClinVar:

NM_001374736.1(DST):c.18417G>T (p.Arg6139Ser)

Gene: DST (dystonin; minus strand). Cytogenetic location: 6p12.1.
Variant type: single nucleotide variant.
Coding change: c.18417G>T on transcript NM_001374736.1 (MANE Select); coding-DNA position 18417, G replaced by T.
Protein change: p.Arg6139Ser; replaces arginine 6139 with serine.
Molecular consequence: missense variant.
Genome position (GRCh38, 1-based): chr6:56,515,609, C>A on the plus strand (G>T on the coding strand, the complement: DST is on the minus strand). VCF-style: chr6-56515609-C-A. GRCh37 (hg19) VCF-style: chr6-56380407-C-A.
Other names: c.12060G>T, p.Arg4020Ser (NM_001144769.5); c.11646G>T, p.Arg3882Ser (NM_001144770.2); c.18417G>T, p.Arg6139Ser (NM_001374722.1); c.17457G>T, p.Arg5819Ser (NM_001374729.1); c.11199G>T, p.Arg3733Ser (NM_001374730.1); c.18444G>T, p.Arg6148Ser (NM_001374734.1); c.11526G>T, p.Arg3842Ser (NM_001386100.1, NM_183380.4); c.10548G>T, p.Arg3516Ser (NM_015548.5); short protein forms R3516S, R4020S, R3842S, R3882S, R3733S, R5819S, R6139S, R6148S.
Identifiers: ClinVar variation 374484 (VCV000374484.45), dbSNP rs1057519122, ClinGen allele CA16043758.

ClinVar aggregate classification (germline): Uncertain significance. Review status: criteria provided, multiple submitters, no conflicts (2 of 4 stars). 2 submissions from 2 submitters: Uncertain significance (2). Last evaluated 2025-02-28.

Conditions:
Epidermolysis bullosa simplex 3, localized or generalized intermediate, with BP230 deficiency (EBS3). Also called: Epidermolysis bullosa simplex due to BP230 deficiency; Epidermolysis bullosa simplex, autosomal recessive 2. Identifiers: Orphanet 412181, MedGen C3809470, MONDO:0014180, OMIM 615425.
Hereditary sensory and autonomic neuropathy type 6. Also called: Neuropathy, hereditary sensory and autonomic, type VI; HSAN VI. Identifiers: Orphanet 314381, MedGen C3539003, MONDO:0013839, OMIM 614653.

gnomAD v4.1: 1 of 1,613,666 alleles (0.000062%); highest among the groups gnomAD compares: Non-Finnish European, 0.000085%; no homozygotes.

Submissions (2):

Labcorp Genetics (formerly Invitae), Labcorp
Classification: Uncertain significance for Epidermolysis bullosa simplex 3, localized or generalized intermediate, with BP230 deficiency; Hereditary sensory and autonomic neuropathy type 6. Last evaluated: 2025-02-28. Review status: criteria provided, single submitter. Criteria: Invitae Variant Classification Sherloc (09022015). Collection method: clinical testing. Allele origin: germline.
Comment: The DST gene has multiple clinically relevant transcripts. This variant occurs in alternate transcript NM_015548.4, and corresponds to NM_001723.5:c.*99908G>T in the primary transcript. This sequence change replaces arginine, which is basic and polar, with serine, which is neutral and polar, at codon 3516 of the DST protein (p.Arg3516Ser). This variant is not present in population databases (gnomAD no frequency). This variant has not been reported in the literature in individuals affected with DST-related conditions. Experimental studies and prediction algorithms are not available or were not evaluated, and the functional significance of this variant is currently unknown. In summary, the available evidence is currently insufficient to determine the role of this variant in disease. Therefore, it has been classified as a Variant of Uncertain Significance.

CeGaT Center for Human Genetics Tuebingen
Classification: Uncertain significance. Last evaluated: 2016-08-01. Review status: criteria provided, single submitter. Criteria: CeGaT Center For Human Genetics Tuebingen Variant Classification Criteria Version 2. Collection method: clinical testing. Allele origin: germline. Affected: yes. Observed: 1 variant allele.